The following is an entry in ClinVar:

NM_000321.3(RB1):c.1706T>C (p.Leu569Ser)

Gene: RB1 (RB transcriptional corepressor 1; plus strand). Cytogenetic location: 13q14.2.
Variant type: single nucleotide variant.
Coding change: c.1706T>C on transcript NM_000321.3 (MANE Select); coding-DNA position 1706, T replaced by C.
Protein change: p.Leu569Ser; replaces leucine 569 with serine.
Molecular consequence: missense variant.
Genome position (GRCh38, 1-based): chr13:48,453,003, T>C. VCF-style: chr13-48453003-T-C. GRCh37 (hg19) VCF-style: chr13-49027139-T-C.
Other names: c.1706T>C, p.Leu569Ser (NM_001407165.1); short protein forms L569S.
Identifiers: ClinVar variation 3313032 (VCV003313032.2).

ClinVar aggregate classification (germline): Uncertain significance (1 of 4 stars; one submission).

Conditions:
Hereditary cancer-predisposing syndrome. Also called: Neoplastic Syndromes, Hereditary; Tumor predisposition; Hereditary Cancer Syndrome; Hereditary neoplastic syndrome. Identifiers: Orphanet 140162, MedGen C0027672, MeSH D009386, MONDO:0015356.

Submission:

Ambry Genetics
Classification: Uncertain significance for Hereditary cancer-predisposing syndrome. Last evaluated: 2026-07-06. Review status: criteria provided, single submitter. Criteria: Ambry Variant Classification Scheme 2023. Collection method: clinical testing. Allele origin: germline.
Comment: The p.L569S variant (also known as c.1706T>C), located in coding exon 18 of the RB1 gene, results from a T to C substitution at nucleotide position 1706. The leucine at codon 569 is replaced by serine, an amino acid with dissimilar properties. This amino acid position is highly conserved in available vertebrate species. In addition, this alteration is predicted to be deleterious by in silico analysis. Based on the available evidence, the clinical significance of this variant remains unclear.